The following is an entry in ClinVar:

ClinVar aggregate classification (germline): Uncertain significance. Review status: criteria provided, single submitter (1 of 4 stars). 3 submissions from 2 submitters: Uncertain significance (1). 2 of the submissions do not count toward it. Last evaluated 2022-09-27.

Conditions:
Optic atrophy. Identifiers: MedGen C0029124, MONDO:0003608, HP:0000648.
Retinal dystrophy. Also called: Inherited retinal dystrophy. Identifiers: Orphanet 71862, MedGen C0854723, MeSH D058499, MONDO:0019118, HP:0000556.

Submissions (3):

Labcorp Genetics (formerly Invitae), Labcorp
Classification: Uncertain significance. Last evaluated: 2022-09-27. Review status: criteria provided, single submitter. Criteria: Invitae Variant Classification Sherloc (09022015). Collection method: clinical testing. Allele origin: germline.
Comment: This sequence change replaces threonine, which is neutral and polar, with isoleucine, which is neutral and non-polar, at codon 597 of the IFT74 protein (p.Thr597Ile). This variant is present in population databases (no rsID available, gnomAD 7%), and has an allele count higher than expected for a pathogenic variant. This variant has not been reported in the literature in individuals affected with IFT74-related conditions. ClinVar contains an entry for this variant (Variation ID: 1417365). Algorithms developed to predict the effect of missense changes on protein structure and function are either unavailable or do not agree on the potential impact of this missense change (SIFT: "Not Available"; PolyPhen-2: "Possibly Damaging"; Align-GVGD: "Not Available"). In summary, the available evidence is currently insufficient to determine the role of this variant in disease. Therefore, it has been classified as a Variant of Uncertain Significance.

Institute of Human Genetics, Univ. Regensburg, Univ. Regensburg
Classification: Uncertain significance for Optic atrophy. Last evaluated: 2023-01-01. Review status: no assertion criteria provided. Criteria: ACMG Guidelines, 2015. Collection method: clinical testing. Allele origin: germline. Affected: yes. Not counted in ClinVar's aggregate classification.

Institute of Human Genetics, Univ. Regensburg, Univ. Regensburg
Classification: Uncertain significance for Retinal dystrophy. Last evaluated: 2023-01-01. Review status: no assertion criteria provided. Criteria: ACMG Guidelines, 2015. Collection method: clinical testing. Allele origin: germline. Affected: yes. Not counted in ClinVar's aggregate classification.

NM_025103.4(IFT74):c.1790_1791delinsTT (p.Thr597Ile)

Gene: IFT74 (intraflagellar transport 74; plus strand). Cytogenetic location: 9p21.2.
Variant type: Indel.
Coding change: c.1790_1791delinsTT on transcript NM_025103.4 (MANE Select); coding-DNA positions 1790 to 1791, CC replaced by TT.
Protein change: p.Thr597Ile; replaces threonine 597 with isoleucine.
Molecular consequence: missense variant. On other transcripts: 3 prime UTR variant (1).
Genome position (GRCh38, 1-based): chr9:27,062,723-27,062,724, CC replaced by TT. VCF-style: chr9-27062723-CC-TT. GRCh37 (hg19) VCF-style: chr9-27062721-CC-TT.
Other names: c.1790_1791delinsTT, p.Thr597Ile (NM_001099222.3, NM_001099223.3); c.*726_*727delinsTT (NM_001349928.2); short protein forms T597I.
Identifiers: ClinVar variation 1417365 (VCV001417365.4), dbSNP rs2131720086, ClinGen allele CA2573143636.